The following is an entry in ClinVar:

NM_000294.3(PHKG2):c.671_672delinsAA (p.Phe224Ter)

Gene: PHKG2 (phosphorylase kinase catalytic subunit gamma 2; plus strand). Cytogenetic location: 16p11.2.
Variant type: Indel.
Coding change: c.671_672delinsAA on transcript NM_000294.3 (MANE Select); coding-DNA positions 671 to 672, TC replaced by AA.
Protein change: p.Phe224Ter; replaces phenylalanine 224 with a stop codon.
Molecular consequence: nonsense.
Genome position (GRCh38, 1-based): chr16:30,756,390-30,756,391, TC replaced by AA. VCF-style: chr16-30756390-TC-AA. GRCh37 (hg19) VCF-style: chr16-30767711-TC-AA.
Other names: c.671_672delinsAA, p.Phe224Ter (NM_001172432.2); short protein forms F224*.
Identifiers: ClinVar variation 538172 (VCV000538172.8), dbSNP rs1555467557, ClinGen allele CA658798589.

ClinVar aggregate classification (germline): Pathogenic. Review status: criteria provided, multiple submitters, no conflicts (2 of 4 stars). 2 submissions from 2 submitters: Pathogenic (2). Last evaluated 2023-07-25.

Conditions:
Inborn genetic diseases. Identifiers: MedGen C0950123, MeSH D030342.
Glycogen storage disease IXc (GSD9C). Also called: GSD IXc. Identifiers: Orphanet 264580, MedGen C2751643, MONDO:0013091, OMIM 613027.

Submissions (2):

Ambry Genetics
Classification: Pathogenic for Inborn genetic diseases. Last evaluated: 2023-07-25. Review status: criteria provided, single submitter. Criteria: Ambry Variant Classification Scheme 2023. Collection method: clinical testing. Allele origin: germline.
Comment: The c.671_672delTCinsAA (p.F224*) alteration, located in exon 8 (coding exon 7) of the PHKG2 gene, consists of a deletion of 2 and insertion of 2 nucleotides at position 671 to 672. This changes the amino acid from a phenylalanine (F) to a stop codon at amino acid position 224. This alteration is expected to result in loss of function by premature protein truncation or nonsense-mediated mRNA decay. This variant was not reported in population-based cohorts in the Genome Aggregation Database (gnomAD). Based on the available evidence, this alteration is classified as pathogenic.

Labcorp Genetics (formerly Invitae), Labcorp
Classification: Pathogenic for Glycogen storage disease IXc. Last evaluated: 2017-11-12. Review status: criteria provided, single submitter. Criteria: Invitae Variant Classification Sherloc (09022015). Collection method: clinical testing. Allele origin: germline.
Comment: For these reasons, this variant has been classified as Pathogenic. Loss-of-function variants in PHKG2 are known to be pathogenic (PMID: 8896567, 17689125, 21646031). This variant has not been reported in the literature in individuals with PHKG2-related disease. This variant is not present in population databases (ExAC no frequency). This sequence change creates a premature translational stop signal (p.Phe224*) in the PHKG2 gene. It is expected to result in an absent or disrupted protein product.

Literature cited by the submitters: PubMed 8896567 (cited by Labcorp Genetics (formerly Invitae), Labcorp); PubMed 17689125 (cited by Labcorp Genetics (formerly Invitae), Labcorp); PubMed 21646031 (cited by Labcorp Genetics (formerly Invitae), Labcorp).